The following is an entry in ClinVar:

ClinVar aggregate classification (germline): Uncertain significance (1 of 4 stars; one submission).

Submission:

Dasa
Classification: Uncertain significance. Last evaluated: 2026-01-07. Review status: criteria provided, single submitter. Criteria: DASA Assertion Criteria. Collection method: clinical testing. Allele origin: germline.
Comment: NM_000124.4(ERCC6):c.4237C>T (p.Gln1413*) is a nonsense variant in ERCC6 predicted to introduce a premature termination codon and is predicted to result in an absent or altered protein product. Loss of function is an established disease mechanism for ERCC6-associated disorders. Also, this variant is rare in population databases. The currently available literature and clinical evidence are not sufficient to establish a definitive association between this variant and the reported condition. Therefore, this variant is classified as a variant of uncertain significance.

NM_000124.4(ERCC6):c.4237C>T (p.Gln1413Ter)

Gene: ERCC6 (ERCC excision repair 6, chromatin remodeling factor; minus strand). Cytogenetic location: 10q11.23.
Variant type: single nucleotide variant.
Coding change: c.4237C>T on transcript NM_000124.4 (MANE Select); coding-DNA position 4237, C replaced by T.
Protein change: p.Gln1413Ter; replaces glutamine 1413 with a stop codon.
Molecular consequence: nonsense.
Genome position (GRCh38, 1-based): chr10:49,459,060, G>A on the plus strand (C>T on the coding strand, the complement: ERCC6 is on the minus strand). VCF-style: chr10-49459060-G-A. GRCh37 (hg19) VCF-style: chr10-50667106-G-A.
Other names: c.4237C>T, p.Gln1413Ter (NM_001346440.2); short protein forms Q1413*.
Identifiers: ClinVar variation 4882570 (VCV004882570.2).